The following is an entry in ClinVar:

ClinVar aggregate classification (germline): Uncertain significance. Review status: criteria provided, multiple submitters, no conflicts (2 of 4 stars). 6 submissions from 6 submitters: Uncertain significance (6). Last evaluated 2025-09-16.

Conditions:
Spondyloepimetaphyseal dysplasia with joint laxity (SEMDJL). Identifiers: MedGen C0432243, MONDO:0019675.
Ehlers-Danlos syndrome, spondylodysplastic type, 2 (EDSSPD2). Also called: Ehlers-Danlos syndrome, progeroid type, 2. Identifiers: Orphanet 536467, Orphanet 75496, MedGen C3809210, MONDO:0014139, OMIM 615349.
Inborn genetic diseases. Identifiers: MedGen C0950123, MeSH D030342.

Allele frequency attached by ClinVar (database versions not stated): TOPMed 0.00006; 1000 Genomes Project 0.00020; 1000 Genomes Project 30x 0.00047.

Submissions (6):

Women's Health and Genetics/Laboratory Corporation of America, LabCorp
Classification: Uncertain significance. Last evaluated: 2025-09-16. Review status: criteria provided, single submitter. Criteria: LabCorp Variant Classification Summary - May 2015. Collection method: clinical testing. Allele origin: germline.
Comment: Variant summary: B3GALT6 c.341C>A (p.Ala114Glu) results in a non-conservative amino acid change in the encoded protein sequence. Algorithms developed to predict the effect of missense changes on protein structure and function are either unavailable or do not agree on the potential impact of this missense change. The variant allele was found at a frequency of 1.8e-05 in 57118 control chromosomes. The available data on variant occurrences in the general population are insufficient to allow any conclusion about variant significance. c.341C>A has been observed in an individual affected with Heritable connective tissue disorders (Steinle_ 2022). These report(s) do not provide unequivocal conclusions about association of the variant with Spondyloepimetaphyseal dysplasia with joint laxity, type 1, with or without fractures. To our knowledge, no experimental evidence demonstrating an impact on protein function has been reported. The following publications have been ascertained in the context of this evaluation (PMID: 35903967, 35918752). ClinVar contains an entry for this variant (Variation ID: 661179). Based on the evidence outlined above, the variant was classified as uncertain significance.

CeGaT Center for Human Genetics Tuebingen
Classification: Uncertain significance. Last evaluated: 2025-08-01. Review status: criteria provided, single submitter. Criteria: CeGaT Center For Human Genetics Tuebingen Variant Classification Criteria Version 2. Collection method: clinical testing. Allele origin: germline. Affected: yes. Observed: 2 variant alleles.
Comment: B3GALT6: PM2

GeneDx
Classification: Uncertain significance. Last evaluated: 2024-09-09. Review status: criteria provided, single submitter. Criteria: GeneDx Variant Classification Process June 2021. Collection method: clinical testing. Allele origin: germline. Affected: yes.
Comment: Has been reported in individuals with a connective tissue disorder phenotype (PMID: 35903967, 35918752); Not observed at significant frequency in large population cohorts (gnomAD); In silico analysis indicates that this missense variant does not alter protein structure/function; This variant is associated with the following publications: (PMID: 35918752, 35903967)

Mayo Clinic Laboratories, Mayo Clinic
Classification: Uncertain significance. Last evaluated: 2024-07-29. Review status: criteria provided, single submitter. Criteria: ACMG Guidelines, 2015. Collection method: clinical testing. Allele origin: germline. Observed: 1 variant allele.
Comment: BP4, PM2

Ambry Genetics
Classification: Uncertain significance for Inborn genetic diseases. Last evaluated: 2022-08-11. Review status: criteria provided, single submitter. Criteria: Ambry Variant Classification Scheme 2023. Collection method: clinical testing. Allele origin: germline.

Labcorp Genetics (formerly Invitae), Labcorp
Classification: Uncertain significance for Ehlers-Danlos syndrome, spondylodysplastic type, 2; Spondyloepimetaphyseal dysplasia with joint laxity. Last evaluated: 2022-07-23. Review status: criteria provided, single submitter. Criteria: Invitae Variant Classification Sherloc (09022015). Collection method: clinical testing. Allele origin: germline.
Comment: This sequence change replaces alanine, which is neutral and non-polar, with glutamic acid, which is acidic and polar, at codon 114 of the B3GALT6 protein (p.Ala114Glu). The frequency data for this variant in the population databases is considered unreliable, as metrics indicate poor data quality at this position in the gnomAD database. This variant has not been reported in the literature in individuals affected with B3GALT6-related conditions. ClinVar contains an entry for this variant (Variation ID: 661179). Algorithms developed to predict the effect of missense changes on protein structure and function (SIFT, PolyPhen-2, Align-GVGD) all suggest that this variant is likely to be tolerated. In summary, the available evidence is currently insufficient to determine the role of this variant in disease. Therefore, it has been classified as a Variant of Uncertain Significance.

Literature cited by the submitters: PubMed 35918752 (cited by Women's Health and Genetics/Laboratory Corporation of America, LabCorp and Mayo Clinic Laboratories, Mayo Clinic); PubMed 35903967 (cited by Women's Health and Genetics/Laboratory Corporation of America, LabCorp and Mayo Clinic Laboratories, Mayo Clinic).

NM_080605.4(B3GALT6):c.341C>A (p.Ala114Glu)

Gene: B3GALT6 (beta-1,3-galactosyltransferase 6; plus strand). Cytogenetic location: 1p36.33.
Variant type: single nucleotide variant.
Coding change: c.341C>A on transcript NM_080605.4 (MANE Select); coding-DNA position 341, C replaced by A.
Protein change: p.Ala114Glu; replaces alanine 114 with glutamic acid.
Molecular consequence: missense variant.
Genome position (GRCh38, 1-based): chr1:1,232,619, C>A. VCF-style: chr1-1232619-C-A. GRCh37 (hg19) VCF-style: chr1-1167999-C-A.
Other names: p.Ala114Glu; short protein forms A114E.
Identifiers: ClinVar variation 661179 (VCV000661179.49), dbSNP rs558454078, ClinGen allele CA513317.